The following is an entry in ClinVar:

NM_182961.4(SYNE1):c.2836G>T (p.Ala946Ser)

Gene: SYNE1 (spectrin repeat containing nuclear envelope protein 1; minus strand). Cytogenetic location: 6q25.2.
Variant type: single nucleotide variant.
Coding change: c.2836G>T on transcript NM_182961.4 (MANE Select); coding-DNA position 2836, G replaced by T.
Protein change: p.Ala946Ser; replaces alanine 946 with serine.
Molecular consequence: missense variant.
Genome position (GRCh38, 1-based): chr6:152,455,482, C>A on the plus strand (G>T on the coding strand, the complement: SYNE1 is on the minus strand). VCF-style: chr6-152455482-C-A. GRCh37 (hg19) VCF-style: chr6-152776617-C-A.
Other names: c.2857G>T, p.Ala953Ser (NM_033071.5); short protein forms A946S, A953S.
Identifiers: ClinVar variation 3026766 (VCV003026766.22), dbSNP rs2502406425, ClinGen allele CA366110504.
Genomic context (GRCh38, chr6:152,455,482, plus strand): 5'-TCACAGTGTGTCTCCGCAGGAGCTCCTCTGGATCCCCCTTTTCCTCCAGGCCCTCCTGAG[C>A]AATCCGCAGTACCTTCTCCAACTCTGCTCGAGACTCCTCAAACTTCTTCATCAAGCGACT-3'
Protein context (NP_892006.3, residues 936-956): RAELEKVLRI[Ala946Ser]QEGLEEKGDP

ClinVar aggregate classification (germline): Uncertain significance (1 of 4 stars; one submission).

Allele frequency attached by ClinVar (database versions not stated): gnomAD exomes below 0.00001.
gnomAD v4.1: 2 of 1,614,168 alleles (0.00012%); highest among the groups gnomAD compares: Non-Finnish European, 0.00017%; no homozygotes.

Submission:

CeGaT Center for Human Genetics Tuebingen
Classification: Uncertain significance. Last evaluated: 2024-01-01. Review status: criteria provided, single submitter. Criteria: CeGaT Center For Human Genetics Tuebingen Variant Classification Criteria Version 2. Collection method: clinical testing. Allele origin: germline. Affected: yes. Observed: 1 variant allele.
Comment: SYNE1: PM2, BP4